The following is an entry in ClinVar:

NC_000023.10:g.(?_32519852)_(32663289_?)del

Gene: DMD (dystrophin; minus strand). Cytogenetic location: Xp21.1.
Variant type: Deletion.
Identifiers: ClinVar variation 2424822 (VCV002424822.4).

ClinVar aggregate classification (germline): Pathogenic (1 of 4 stars; one submission).

Conditions:
Duchenne muscular dystrophy (DMD). Also called: Duchenne Muscular Dystrophy (DMD); MUSCULAR DYSTROPHY, PSEUDOHYPERTROPHIC PROGRESSIVE, DUCHENNE TYPE. Identifiers: Orphanet 98896, MedGen C0013264, MONDO:0010679, OMIM 310200.

Submission:

Labcorp Genetics (formerly Invitae), Labcorp
Classification: Pathogenic for Duchenne muscular dystrophy. Last evaluated: 2022-08-27. Review status: criteria provided, single submitter. Criteria: Invitae Variant Classification Sherloc (09022015). Collection method: clinical testing. Allele origin: germline.
Comment: This variant is a gross deletion of the genomic region encompassing exon(s) 10-19 of the DMD gene. This deletion is out-of-frame, and is expected to create a premature termination codon and result in an absent or disrupted protein product. Loss-of-function variants in DMD are known to be pathogenic (PMID: 16770791, 25007885). A similar copy number variant has been observed in individual(s) with Duchenne muscular dystrophy (PMID: 28503591). For these reasons, this variant has been classified as Pathogenic.

Literature cited by the submitters: PubMed 16770791; PubMed 25007885; PubMed 28503591.